The following is an entry in ClinVar:

NM_000051.4(ATM):c.3684A>G (p.Glu1228=)

Gene: ATM (ATM serine/threonine kinase; plus strand). Cytogenetic location: 11q22.3.
Variant type: single nucleotide variant.
Coding change: c.3684A>G on transcript NM_000051.4 (MANE Select); coding-DNA position 3684, A replaced by G.
Protein change: p.Glu1228=; no amino-acid change (glutamic acid 1228 retained).
Molecular consequence: synonymous variant.
Genome position (GRCh38, 1-based): chr11:108,282,817, A>G. VCF-style: chr11-108282817-A-G. GRCh37 (hg19) VCF-style: chr11-108153544-A-G.
Other names: c.3684A>G, p.Glu1228= (NM_001351834.2).
Identifiers: ClinVar variation 3233118 (VCV003233118.2), dbSNP rs1284001896, ClinGen allele CA476673309.

ClinVar aggregate classification (germline): Benign/Likely benign. Review status: criteria provided, multiple submitters, no conflicts (2 of 4 stars). 2 submissions from 2 submitters: Benign (1); Likely benign (1). Last evaluated 2024-05-15.

Conditions:
Familial cancer of breast. Also called: BREAST CANCER, FAMILIAL; Hereditary breast cancer; hereditary breast carcinoma. Identifiers: Orphanet 227535, MedGen C0346153, MONDO:0016419, OMIM 114480. Disease mechanism: loss of function.
Hereditary cancer-predisposing syndrome. Also called: Neoplastic Syndromes, Hereditary; Tumor predisposition; Hereditary neoplastic syndrome; Hereditary Cancer Syndrome. Identifiers: Orphanet 140162, MedGen C0027672, MeSH D009386, MONDO:0015356.

Submissions (2):

Myriad Genetics, Inc.
Classification: Benign for Familial cancer of breast. Last evaluated: 2024-05-15. Review status: criteria provided, single submitter. Criteria: Myriad Autosomal Dominant, Autosomal Recessive and X-Linked Classification Criteria (2023). Collection method: clinical testing. Allele origin: unknown.
Comment: This variant is considered benign. This variant is a silent/synonymous amino acid change and it is not expected to impact splicing.

Ambry Genetics
Classification: Likely benign for Hereditary cancer-predisposing syndrome. Last evaluated: 2024-01-06. Review status: criteria provided, single submitter. Criteria: Ambry Variant Classification Scheme 2023. Collection method: clinical testing. Allele origin: germline.